The following is an entry in ClinVar:

ClinVar aggregate classification (germline): Conflicting classifications of pathogenicity. Review status: criteria provided, conflicting classifications (1 of 4 stars). 3 submissions from 3 submitters: Uncertain significance (2); Likely benign (1). Last evaluated 2024-02-14.

Conditions:
Autosomal recessive nonsyndromic hearing loss 3. Also called: NEUROSENSORY NONSYNDROMIC RECESSIVE DEAFNESS 3. Identifiers: Orphanet 90636, MedGen C1838263, MONDO:0010860, OMIM 600316.

Allele frequency attached by ClinVar (database versions not stated): gnomAD 0.00001 and 0.00003; TOPMed 0.00001; gnomAD exomes 0.00008 and 0.00015; ExAC 0.00020.
gnomAD v4.1: 124 of 1,614,080 alleles (0.0077%); highest among the groups gnomAD compares: South Asian, 0.078%; 2 homozygotes.

Submissions (3):

Labcorp Genetics (formerly Invitae), Labcorp
Classification: Likely benign. Last evaluated: 2024-02-14. Review status: criteria provided, single submitter. Criteria: Invitae Variant Classification Sherloc (09022015). Collection method: clinical testing. Allele origin: germline.

GeneDx
Classification: Uncertain significance. Last evaluated: 2022-07-18. Review status: criteria provided, single submitter. Criteria: GeneDx Variant Classification Process June 2021. Collection method: clinical testing. Allele origin: germline. Affected: yes.
Comment: In silico analysis supports that this missense variant does not alter protein structure/function; In-silico analysis is inconclusive as to whether the variant alters gene splicing. In the absence of RNA/functional studies, the actual effect of this sequence change is unknown.; Has not been previously published as pathogenic or benign to our knowledge

Juno Genomics, Hangzhou Juno Genomics, Inc
Classification: Uncertain significance for Autosomal recessive nonsyndromic hearing loss 3. Review status: criteria provided, single submitter. Criteria: ACMG Guidelines, 2015. Collection method: clinical testing. Allele origin: germline.
Comment: Absent from controls (or at extremely low frequency if recessive) in Genome Aggregation Database.;Multiple lines of computational evidence support a deleterious effect on the gene or gene product.

NM_016239.4(MYO15A):c.6530G>A (p.Arg2177Gln)

Gene: MYO15A (myosin XVA; plus strand). Cytogenetic location: 17p11.2.
Variant type: single nucleotide variant.
Coding change: c.6530G>A on transcript NM_016239.4 (MANE Select); coding-DNA position 6530, G replaced by A.
Protein change: p.Arg2177Gln; replaces arginine 2177 with glutamine.
Molecular consequence: missense variant.
Genome position (GRCh38, 1-based): chr17:18,148,049, G>A. VCF-style: chr17-18148049-G-A. GRCh37 (hg19) VCF-style: chr17-18051363-G-A.
Other names: short protein forms R2177Q.
Identifiers: ClinVar variation 1700778 (VCV001700778.7), dbSNP rs575546518, ClinGen allele CA8424620.